The following is an entry in ClinVar:

ClinVar aggregate classification (germline): Uncertain significance (1 of 4 stars; one submission).

Conditions:
Hereditary diffuse gastric adenocarcinoma (HDGC). Also called: DIFFUSE GASTRIC AND LOBULAR BREAST CANCER SYNDROME. Identifiers: Orphanet 26106, MedGen C1708349, MONDO:0007648, OMIM 137215.

Submission:

Cancer Variant Interpretation Group UK, Institute of Cancer Research, London
Classification: Uncertain significance for Hereditary diffuse gastric adenocarcinoma. Last evaluated: 2020-06-12. Review status: criteria provided, single submitter. Criteria: ACMG Guidelines, 2015. Collection method: clinical testing. Allele origin: germline. Affected: yes.
Comment: Data included in classification: Variant is absent from gnomAD controls (PM2_moderate). CDH1 c.2084G>T p.(Cys695Phe) variant reported.

NM_004360.5(CDH1):c.2084G>T (p.Cys695Phe)

Gene: CDH1 (cadherin 1; plus strand). Cytogenetic location: 16q22.1.
Variant type: single nucleotide variant.
Coding change: c.2084G>T on transcript NM_004360.5 (MANE Select); coding-DNA position 2084, G replaced by T.
Protein change: p.Cys695Phe; replaces cysteine 695 with phenylalanine.
Molecular consequence: missense variant.
Genome position (GRCh38, 1-based): chr16:68,823,546, G>T. VCF-style: chr16-68823546-G-T. GRCh37 (hg19) VCF-style: chr16-68857449-G-T.
Other names: c.1901G>T, p.Cys634Phe (NM_001317184.2); c.536G>T, p.Cys179Phe (NM_001317185.2); c.119G>T, p.Cys40Phe (NM_001317186.2); short protein forms C179F, C40F, C634F, C695F.
Identifiers: ClinVar variation 2506351 (VCV002506351.1), dbSNP rs1961233403, ClinGen allele CA396467817.